The following is an entry in ClinVar:

NM_022455.5(NSD1):c.1694C>T (p.Pro565Leu)

Gene: NSD1 (nuclear receptor binding SET domain protein 1; plus strand). Cytogenetic location: 5q35.3.
Variant type: single nucleotide variant.
Coding change: c.1694C>T on transcript NM_022455.5 (MANE Select); coding-DNA position 1694, C replaced by T.
Protein change: p.Pro565Leu; replaces proline 565 with leucine.
Molecular consequence: missense variant.
Genome position (GRCh38, 1-based): chr5:177,210,093, C>T. VCF-style: chr5-177210093-C-T. GRCh37 (hg19) VCF-style: chr5-176637094-C-T.
Other names: c.821C>T, p.Pro274Leu (NM_001365684.2, NM_001409306.1, NM_001409307.1 and 3 more transcripts); c.1694C>T, p.Pro565Leu (NM_001409301.1, NM_001409302.1, NM_001409303.1); c.1274C>T, p.Pro425Leu (NM_001409304.1); c.941C>T, p.Pro314Leu (NM_001409305.1); short protein forms P274L, P314L, P425L, P565L.
Identifiers: ClinVar variation 2656102 (VCV002656102.24), dbSNP rs2149843507, ClinGen allele CA362310898.

ClinVar aggregate classification (germline): Uncertain significance (1 of 4 stars; one submission).

Submission:

CeGaT Center for Human Genetics Tuebingen
Classification: Uncertain significance. Last evaluated: 2023-01-01. Review status: criteria provided, single submitter. Criteria: CeGaT Center For Human Genetics Tuebingen Variant Classification Criteria Version 2. Collection method: clinical testing. Allele origin: germline. Affected: yes. Observed: 1 variant allele.
Comment: NSD1: PM2, BP4